The following is an entry in ClinVar:

NM_000038.6(APC):c.4612_4613del (p.Glu1538fs)

Gene: APC (APC regulator of Wnt signaling pathway; plus strand). Cytogenetic location: 5q22.2.
Variant type: Deletion.
Coding change: c.4612_4613del on transcript NM_000038.6 (MANE Select); coding-DNA positions 4612 to 4613, 2 bases deleted (GA; older notation c.4612_4613delGA).
Protein change: p.Glu1538fs; shifts the reading frame from glutamic acid 1538.
Molecular consequence: frameshift variant.
Genome position (GRCh38, 1-based): chr5:112,840,206-112,840,207, GA deleted; deleting any 2 consecutive bases within chr5:112,840,205-112,840,207 gives the same sequence; the c. name uses the placement nearest the transcript's 3' end. VCF-style (leftmost placement, unchanged base first): chr5-112840204-CAG-C. GRCh37 (hg19) VCF-style: chr5-112175901-CAG-C.
Other names: c.4612_4613delGA (NM_000038.6, NM_000038.5); c.4612_4613del, p.Glu1538fs (NM_001127510.3, NM_001354895.2); c.4558_4559del, p.Glu1520fs (NM_001127511.3); c.4666_4667del, p.Glu1556fs (NM_001354896.2); c.4642_4643del, p.Glu1548fs (NM_001354897.2); c.4537_4538del, p.Glu1513fs (NM_001354898.2); c.4528_4529del, p.Glu1510fs (NM_001354899.2); c.4489_4490del, p.Glu1497fs (NM_001354900.2); and 6 more; short protein forms E1255fs, E1378fs, E1412fs, E1447fs, E1479fs, E1497fs, E1510fs, E1520fs.
Identifiers: ClinVar variation 823 (VCV000000823.25), dbSNP rs387906236, ClinGen allele CA009642.

ClinVar aggregate classification (germline): Pathogenic. Review status: criteria provided, multiple submitters, no conflicts (2 of 4 stars). 10 submissions from 10 submitters: Pathogenic (9). 1 of the submissions does not count toward it. Last evaluated 2023-12-13.
ClinVar aggregate classification (oncogenicity): Likely oncogenic (1 of 4 stars; one submission).

Conditions:
Colorectal cancer. Also called: Colorectal cancer, somatic; Malignant Colorectal Neoplasm. Identifiers: MedGen C0346629, MONDO:0005575, OMIM 114500.
Gastric cancer. Also called: Malignant tumor of stomach; Stomach cancer. Identifiers: MedGen C0024623, MeSH D013274, MONDO:0001056, OMIM 613659, HP:0012126.
Familial adenomatous polyposis 1 (FAP1). Also called: POLYPOSIS, ADENOMATOUS INTESTINAL; FAMILIAL ADENOMATOUS POLYPOSIS 1, ATTENUATED. Identifiers: MedGen C2713442, MONDO:0021056, OMIM 175100. Disease mechanism: loss of function.
Gastric adenocarcinoma and proximal polyposis of the stomach (GAPPS). Also called: Polyposis, gastric, Dos Santos and de Magalhaes 1980; POLYPOSIS, GASTRIC; Gastric Adenocarcinoma and Proximal Polyposis of the Stomach (GAPPS). Identifiers: Orphanet 314022, MedGen C4749917, MONDO:0017790, OMIM 619182.
Hepatocellular carcinoma (HCC). Also called: Primary carcinoma of liver; HEPATOMA; LIVER CELL CARCINOMA. Identifiers: Orphanet 88673, MedGen C2239176, MONDO:0007256, OMIM 114550, HP:0001402.
Desmoid disease, hereditary (DESMD). Also called: FIBROMATOSIS, FAMILIAL INFILTRATIVE. Identifiers: Orphanet 873, MedGen C1851124, OMIM 135290. Disease mechanism: loss of function.
Hereditary cancer-predisposing syndrome. Also called: Neoplastic Syndromes, Hereditary; Tumor predisposition; Hereditary Cancer Syndrome; Hereditary neoplastic syndrome. Identifiers: Orphanet 140162, MedGen C0027672, MeSH D009386, MONDO:0015356.
Familial multiple polyposis syndrome (FAP). Also called: Familial polyposis; Familial adenomatous polyposis; Familial intestinal polyposis; Familial Adenomatous Polyposis (FAP); Classic familial adenomatous polyposis. Identifiers: Orphanet 733, MedGen C0032580, MONDO:0021055. Disease mechanism: loss of function.
Gardner syndrome (GS). Also called: Gardner's syndrome; Polyposis coli and multiple hard and soft tissue tumors; Intestinal polyposis, osteomas, sebaceous cysts. Identifiers: MedGen C0017097, MONDO:0019336. Disease mechanism: loss of function.
Neoplasm. Also called: tumor; Neoplasms; Neoplasm (disease). Identifiers: MedGen C0027651, MeSH D009369, MONDO:0005070, HP:0002664.

Submissions 1 to 8 of 11:

Center for Genomic Medicine, Rigshospitalet, Copenhagen University Hospital
Classification: Likely oncogenic for Neoplasm. Last evaluated: 2025-12-29. Review status: criteria provided, single submitter. Criteria: ClinGen/CGC/VICC Guidelines for Oncogenicity, 2022. Collection method: clinical testing. Allele origin: somatic. Affected: yes.

Labcorp Genetics (formerly Invitae), Labcorp
Classification: Pathogenic for Familial adenomatous polyposis 1. Last evaluated: 2023-12-13. Review status: criteria provided, single submitter. Criteria: Invitae Variant Classification Sherloc (09022015). Collection method: clinical testing. Allele origin: germline.
Comment: This sequence change creates a premature translational stop signal (p.Glu1538Ilefs*5) in the APC gene. While this is not anticipated to result in nonsense mediated decay, it is expected to disrupt the last 1306 amino acid(s) of the APC protein. This variant is not present in population databases (gnomAD no frequency). This premature translational stop signal has been observed in individual(s) with familial adenomatous polyposis (PMID: 8162051, 8594558, 20223039, 20513532, 20685668, 21643010, 21779980, 22987206). ClinVar contains an entry for this variant (Variation ID: 823). This variant is expected to disrupt the EB1 and HDLG binding sites, which mediate interactions with the cytoskeleton (PMID: 15311282, 17293347). While functional studies have not been performed to directly test the effect on APC protein function, this suggests that disruption of the C-terminal portion of the protein is functionally important. A different truncation (p.Tyr2645Lysfs*14) that lies downstream of this variant has been determined to be pathogenic (PMID: 9824584, 1316610, 27081525, 8381579, 22135120, Invitae). This suggests that deletion of this region of the APC protein is causative of disease. For these reasons, this variant has been classified as Pathogenic.

Baylor Genetics
Classification: Pathogenic for Familial adenomatous polyposis 1. Last evaluated: 2023-11-28. Review status: criteria provided, single submitter. Criteria: ACMG Guidelines, 2015. Collection method: clinical testing. Allele origin: unknown.

Clinical Genetics Laboratory, Skane University Hospital Lund
Classification: Pathogenic. Last evaluated: 2023-07-05. Review status: criteria provided, single submitter. Criteria: ACMG Guidelines, 2015. Collection method: clinical testing. Allele origin: germline. Affected: yes.

Myriad Genetics, Inc.
Classification: Pathogenic for Familial adenomatous polyposis 1. Last evaluated: 2023-05-11. Review status: criteria provided, single submitter. Criteria: Myriad Autosomal Dominant, Autosomal Recessive and X-Linked Classification Criteria (2023). Collection method: clinical testing. Allele origin: unknown.
Comment: This variant is considered pathogenic. This variant creates a frameshift predicted to result in premature protein truncation.

Laboratory for Molecular Medicine, Mass General Brigham Personalized Medicine
Classification: Pathogenic for Familial multiple polyposis syndrome. Last evaluated: 2020-07-28. Review status: criteria provided, single submitter. Criteria: ACMG Guidelines, 2015. Collection method: clinical testing. Allele origin: germline. Inheritance: Autosomal dominant inheritance.
Comment: The p.Glu1538IlefsX5 variant in APC has been previously reported in at least 6 individuals with APC-associated polyposis conditions: 3 with familial adenomatous polyposis (FAP), 3 individuals with Gardner syndrome, and 4 individuals with suspected FAP (Gayther 1994 PMID: 8162051, Armstrong 1997 PMID: 9375853, Friedl 2005 PMID: 20223039, Jang 2010 PMID: 20513532, Lagarde 2010 PMID: 20685668, Jarry 2011 PMID: 21779980, Rohlin 2011 PMID: 21643010, Schwarzová 2013 PMID: 22987206). This variant was also reported by other clinical laboratories in ClinVar (Variation ID: 823) and was absent from large population studies. This variant is predicted to cause a frameshift, which alters the protein’s amino acid sequence beginning at position 1538 and leads to a premature termination codon 5 amino acids downstream. This termination codon occurs within the last exon and is, therefore, likely to escape nonsense mediated decay (NMD) and result in a truncated protein that is missing ~46% of the coding region, with 1302 amino acids removed. Truncating variants in the last exon of APC, including multiple variants downstream of this variant, have been reported in individuals with FAP. Furthermore, this truncation is predicted to remove the EB1 and APC-basic domains of the APC protein, and in vitro studies have shown that these domains are important regions for APC-mediated microtubule stability and F-actin interactions (Moseley 2007 PMID 17293347, Wen 2004 PMID 15311282). In summary, this variant meets criteria to be classified as pathogenic for APC-associated polyposis conditions, including autosomal dominant FAP and Gardner syndrome. ACMG/AMP Criteria applied: PVS1, PM2, PS4_Strong.

Genetic Services Laboratory, University of Chicago
Classification: Pathogenic. Last evaluated: 2020-07-20. Review status: criteria provided, single submitter. Criteria: ACMG Guidelines, 2015. Collection method: clinical testing. Allele origin: germline. Affected: yes.

Ambry Genetics
Classification: Pathogenic for Hereditary cancer-predisposing syndrome. Last evaluated: 2015-07-28. Review status: criteria provided, single submitter. Criteria: Ambry Variant Classification Scheme 2023. Collection method: clinical testing. Allele origin: germline.
Comment: The c.4612_4613delGA pathogenic mutation, located in coding exon 15 of the APC gene, results from a deletion of two nucleotides between nucleotide positions 4612 and 4613, causing a translational frameshift with a predicted alternate stop codon. This mutation has been detected in multiple individuals with clinical diagnoses of AFAP or FAP (Friedl W, et al. Hered Cancer Clin Pract 2005;3(3):95-114, Vandrovcov&aacute; J, et a. Hum. Mutat. 2004;23(4):397, Jang YH, et al. Cancer Genet. Cytogenet. 2010;200(1):34-9, Gayther SA, et al. Hum. Mol. Genet. 1994;3(1):53-6, Armstrong JG, et al. Hum. Mutat. 1997;10(5):376-80). In addition to the clinical data presented in the literature, since frameshifts are typically deleterious in nature, this alteration is interpreted as a disease-causing mutation (ACMG Recommendations for Standards for Interpretation and Reporting of Sequence Variations. Revision 2007. Genet Med. 2008;10:294).